The following is an entry in ClinVar:

ClinVar aggregate classification (germline): Likely benign. Review status: criteria provided, multiple submitters, no conflicts (2 of 4 stars). 2 submissions from 2 submitters: Likely benign (2). Last evaluated 2024-07-01.

Conditions:
Kufor-Rakeb syndrome (KRS). Also called: PARKINSON DISEASE 9, AUTOSOMAL RECESSIVE, JUVENILE-ONSET. Identifiers: Orphanet 306674, Orphanet 314632, MedGen C1847640, MONDO:0011706, OMIM 606693.
Autosomal recessive spastic paraplegia type 78. Identifiers: Orphanet 513436, MedGen C5567893, MONDO:0014975, OMIM 617225.

Allele frequency attached by ClinVar (database versions not stated): gnomAD exomes below 0.00001 and 0.00001; TOPMed 0.00001.
gnomAD v4.1: 16 of 1,613,348 alleles (0.00099%); highest among the groups gnomAD compares: East Asian, 0.0022%; no homozygotes.

Submissions (2):

CeGaT Center for Human Genetics Tuebingen
Classification: Likely benign. Last evaluated: 2024-07-01. Review status: criteria provided, single submitter. Criteria: CeGaT Center For Human Genetics Tuebingen Variant Classification Criteria Version 2. Collection method: clinical testing. Allele origin: germline. Affected: yes. Observed: 1 variant allele.
Comment: ATP13A2: BP4, BP7

Labcorp Genetics (formerly Invitae), Labcorp
Classification: Likely benign for Kufor-Rakeb syndrome; Autosomal recessive spastic paraplegia type 78. Last evaluated: 2022-08-09. Review status: criteria provided, single submitter. Criteria: Invitae Variant Classification Sherloc (09022015). Collection method: clinical testing. Allele origin: germline.

NM_022089.4(ATP13A2):c.3042C>T (p.Gly1014=)

Gene: ATP13A2 (ATPase cation transporting 13A2; minus strand). Cytogenetic location: 1p36.13.
Variant type: single nucleotide variant.
Coding change: c.3042C>T on transcript NM_022089.4 (MANE Select); coding-DNA position 3042, C replaced by T.
Protein change: p.Gly1014=; no amino-acid change (glycine 1014 retained).
Molecular consequence: synonymous variant.
Genome position (GRCh38, 1-based): chr1:16,987,087, G>A on the plus strand (C>T on the coding strand, the complement: ATP13A2 is on the minus strand). VCF-style: chr1-16987087-G-A. GRCh37 (hg19) VCF-style: chr1-17313582-G-A.
Other names: c.3027C>T, p.Gly1009= (NM_001141973.3); c.2910C>T, p.Gly970= (NM_001141974.3).
Identifiers: ClinVar variation 940709 (VCV000940709.24), dbSNP rs1415173041, ClinGen allele CA416093934.